The following is an entry in ClinVar:

ClinVar aggregate classification (germline): Likely pathogenic (1 of 4 stars; one submission).

Conditions:
Hereditary insensitivity to pain with anhidrosis (CIPA). Also called: NEUROPATHY, CONGENITAL SENSORY, WITH ANHIDROSIS; HSAN Type IV; INSENSITIVITY TO PAIN, CONGENITAL, WITH ANHIDROSIS; FAMILIAL DYSAUTONOMIA, TYPE II; hereditary sensory and autonomic neuropathy type 4; NTRK1 Congenital Insensitivity to Pain with Anhidrosis. Identifiers: Orphanet 642, MedGen C0020074, MONDO:0009746, OMIM 256800.

Submission:

Natera, Inc.
Classification: Likely pathogenic for Hereditary insensitivity to pain with anhidrosis. Last evaluated: 2025-04-25. Review status: criteria provided, single submitter. Criteria: Natera Variant Classification Schema (03/2026). Collection method: clinical testing. Allele origin: germline.
Comment: The c.575-2A>G variant in NTRK1 is a canonical splice acceptor site variant predicted to affect pre-mRNA splicing, which may result in an abnormal transcript and altered protein product. This variant is expected to result in nonsense mediated decay, truncation, or a dysfunctional protein product. This variant is rare in the general population with a frequency below the threshold expected for the associated phenotype(s). Given the available evidence, this variant is classified as Likely Pathogenic.

NM_002529.4(NTRK1):c.575-2A>G

Gene: NTRK1 (neurotrophic receptor tyrosine kinase 1; plus strand). Cytogenetic location: 1q23.1.
Variant type: single nucleotide variant.
Coding change: c.575-2A>G on transcript NM_002529.4 (MANE Select); the canonical splice acceptor site of the intron before coding-DNA position 575, A replaced by G.
Molecular consequence: splice acceptor variant.
Genome position (GRCh38, 1-based): chr1:156,868,503, A>G. VCF-style: chr1-156868503-A-G. GRCh37 (hg19) VCF-style: chr1-156838295-A-G.
Other names: c.485-2A>G (NM_001007792.1); c.575-2A>G (NM_001012331.2).
Identifiers: ClinVar variation 4059127 (VCV004059127.2).